The following is an entry in ClinVar:

NM_198578.4(LRRK2):c.4391C>T (p.Ala1464Val)

Gene: LRRK2 (leucine rich repeat kinase 2; plus strand). Cytogenetic location: 12q12.
Variant type: single nucleotide variant.
Coding change: c.4391C>T on transcript NM_198578.4 (MANE Select); coding-DNA position 4391, C replaced by T.
Protein change: p.Ala1464Val; replaces alanine 1464 with valine.
Molecular consequence: missense variant.
Genome position (GRCh38, 1-based): chr12:40,310,504, C>T. VCF-style: chr12-40310504-C-T. GRCh37 (hg19) VCF-style: chr12-40704306-C-T.
Other names: short protein forms A1464V.
Identifiers: ClinVar variation 3676965 (VCV003676965.2).
Genomic context (GRCh38, chr12:40,310,504, plus strand): 5'-CTTCCCCTGTGATTCTCGTTGGCACACATTTGGATGTTTCTGATGAGAAGCAACGCAAAG[C>T]CTGCATGAGTAAAATCACCAAGGAACTCCTGAATAAGCGAGGGTTCCCTGCCATACGAGA-3'
Protein context (NP_940980.4, residues 1454-1474): LDVSDEKQRK[Ala1464Val]CMSKITKELL

ClinVar aggregate classification (germline): Uncertain significance (1 of 4 stars; one submission).

Conditions:
Autosomal dominant Parkinson disease 8. Also called: LRRK2-Related Parkinson Disease; Parkinson disease 8; Parkinson disease 8, susceptibility to. Identifiers: Orphanet 411602, MedGen C1846862, MONDO:0011764, OMIM 607060.

Submission:

Labcorp Genetics (formerly Invitae), Labcorp
Classification: Uncertain significance for Autosomal dominant Parkinson disease 8. Last evaluated: 2024-11-22. Review status: criteria provided, single submitter. Criteria: Invitae Variant Classification Sherloc (09022015). Collection method: clinical testing. Allele origin: germline.
Comment: This sequence change replaces alanine, which is neutral and non-polar, with valine, which is neutral and non-polar, at codon 1464 of the LRRK2 protein (p.Ala1464Val). This variant is not present in population databases (gnomAD no frequency). This variant has not been reported in the literature in individuals affected with LRRK2-related conditions. Invitae Evidence Modeling of protein sequence and biophysical properties (such as structural, functional, and spatial information, amino acid conservation, physicochemical variation, residue mobility, and thermodynamic stability) has been performed for this missense variant. However, the output from this modeling did not meet the statistical confidence thresholds required to predict the impact of this variant on LRRK2 protein function. In summary, the available evidence is currently insufficient to determine the role of this variant in disease. Therefore, it has been classified as a Variant of Uncertain Significance.